The following is an entry in ClinVar:

NM_003242.6(TGFBR2):c.928G>T (p.Ala310Ser)

Gene: TGFBR2 (transforming growth factor beta receptor 2; plus strand). Cytogenetic location: 3p24.1.
Variant type: single nucleotide variant.
Coding change: c.928G>T on transcript NM_003242.6 (MANE Select); coding-DNA position 928, G replaced by T.
Protein change: p.Ala310Ser; replaces alanine 310 with serine.
Molecular consequence: missense variant.
Genome position (GRCh38, 1-based): chr3:30,672,111, G>T. VCF-style: chr3-30672111-G-T. GRCh37 (hg19) VCF-style: chr3-30713603-G-T.
Other names: c.1036G>T, p.Ala346Ser (NM_001407127.1); c.1003G>T, p.Ala335Ser (NM_001024847.3); c.1111G>T, p.Ala371Ser (NM_001407126.1); c.955G>T, p.Ala319Ser (NM_001407128.1); c.931G>T, p.Ala311Ser (NM_001407129.1); c.928G>T, p.Ala310Ser (NM_001407130.1); c.823G>T, p.Ala275Ser (NM_001407132.1, NM_001407133.1, NM_001407134.1 and 2 more transcripts); c.643G>T, p.Ala215Ser (NM_001407137.1); and 1 more; short protein forms A310S, A335S, A311S, A346S, A275S, A371S, A215S, A319S.
Identifiers: ClinVar variation 1702295 (VCV001702295.5), dbSNP rs1553630181, ClinGen allele CA351808187.
Genomic context (GRCh38, chr3:30,672,111, plus strand): 5'-GAGAAGGACATCTTCTCAGACATCAATCTGAAGCATGAGAACATACTCCAGTTCCTGACG[G>T]CTGAGGAGCGGAAGACGGAGTTGGGGAAACAATACTGGCTGATCACCGCCTTCCACGCCA-3'
Protein context (NP_003233.4, residues 300-320): KHENILQFLT[Ala310Ser]EERKTELGKQ

ClinVar aggregate classification (germline): Uncertain significance. Review status: criteria provided, multiple submitters, no conflicts (2 of 4 stars). 3 submissions from 3 submitters: Uncertain significance (3). Last evaluated 2025-03-19.

Conditions:
Ehlers-Danlos syndrome (EDS). Identifiers: Orphanet 98249, MedGen C0013720, MONDO:0020066.
Loeys-Dietz syndrome 2 (LDS2). Also called: TGFBR2-Related Loeys-Dietz Syndrome; Marfan syndrome, type 2 (formerly); AORTIC ANEURYSM, FAMILIAL THORACIC 3; MARFAN SYNDROME, TYPE II; Marfan Syndrome type 2; Marfan like connective tissue disorder. Identifiers: Orphanet 284973, Orphanet 558, MedGen C2674574, MONDO:0012427, OMIM 610168.
Familial thoracic aortic aneurysm and aortic dissection (TAAD). Also called: Thoracic aortic aneurysms and dissections. Identifiers: Orphanet 91387, MedGen C4707243, MONDO:0019625.

gnomAD v4.1: 1 of 1,614,212 alleles (0.000062%); highest among the groups gnomAD compares: Non-Finnish European, 0.000085%; no homozygotes.

Submissions (3):

Ambry Genetics
Classification: Uncertain significance for Familial thoracic aortic aneurysm and aortic dissection. Last evaluated: 2025-03-19. Review status: criteria provided, single submitter. Criteria: Ambry Variant Classification Scheme 2023. Collection method: clinical testing. Allele origin: germline.

All of Us Research Program, National Institutes of Health
Classification: Uncertain significance for Loeys-Dietz syndrome 2. Last evaluated: 2023-05-16. Review status: criteria provided, single submitter. Criteria: ACMG Guidelines, 2015. Collection method: clinical testing. Allele origin: germline. Inheritance: Autosomal dominant inheritance. Observed: 1 variant allele, 1 heterozygote.
Comment: This missense variant replaces alanine with serine at codon 310 of the TGFBR2 protein. Computational prediction suggests that this variant may not impact protein structure and function (internally defined REVEL score threshold <= 0.5, PMID: 27666373). To our knowledge, functional studies have not been reported for this variant. This variant has not been reported in individuals affected with TGFBR2-related disorders in the literature. This variant has not been identified in the general population by the Genome Aggregation Database (gnomAD). The available evidence is insufficient to determine the role of this variant in disease conclusively. Therefore, this variant is classified as a Variant of Uncertain Significance.

This study involves interpretation of variants in research participants for the purpose of population health screening. Participant phenotype was not available at the time of variant classification. Additional details can be found in publication PMID: 35346344, PMCID: PMC8962531

Genome Diagnostics Laboratory, The Hospital for Sick Children
Classification: Uncertain significance for Ehlers-Danlos syndrome. Last evaluated: 2022-04-11. Review status: criteria provided, single submitter. Criteria: ACMG Guidelines, 2015. Collection method: clinical testing. Allele origin: germline.